The following is an entry in ClinVar:

ClinVar aggregate classification (germline): Likely benign. Review status: criteria provided, multiple submitters, no conflicts (2 of 4 stars). 5 submissions from 5 submitters: Likely benign (5). Last evaluated 2025-12-02.

Conditions:
Inborn genetic diseases. Identifiers: MedGen C0950123, MeSH D030342.
Creatine transporter deficiency (CCDS1). Also called: CEREBRAL CREATINE DEFICIENCY SYNDROME 1; SLC6A8-Related Creatine Transporter Deficiency; CREATINE TRANSPORTER DEFECT; Creatine Transporter (CRTR) Deficiency; Mental retardation , X-linked with seizures, short stature and midface hypoplasia; Mental retardation , X-linked, with creatine transport deficiency. Identifiers: Orphanet 52503, MedGen C1845862, MONDO:0010305, OMIM 300352.

Allele frequency attached by ClinVar (database versions not stated): gnomAD exomes 0.00003; ExAC 0.00005; gnomAD 0.00008 and 0.00009; ESP Exome Variant Server 0.00009; TOPMed 0.00009.

Submissions (5):

Labcorp Genetics (formerly Invitae), Labcorp
Classification: Likely benign for Creatine transporter deficiency. Last evaluated: 2025-12-02. Review status: criteria provided, single submitter. Criteria: Invitae Variant Classification Sherloc (09022015). Collection method: clinical testing. Allele origin: germline.

Blueprint Genetics
Classification: Likely benign. Last evaluated: 2024-09-23. Review status: criteria provided, single submitter. Criteria: ACMG Guidelines, 2015. Collection method: clinical testing. Allele origin: germline.

CeGaT Center for Human Genetics Tuebingen
Classification: Likely benign. Last evaluated: 2022-08-01. Review status: criteria provided, single submitter. Criteria: CeGaT Center For Human Genetics Tuebingen Variant Classification Criteria Version 2. Collection method: clinical testing. Allele origin: germline. Affected: yes. Observed: 3 variant alleles.
Comment: SLC6A8: BP4, BP7

GeneDx
Classification: Likely benign. Last evaluated: 2021-02-08. Review status: criteria provided, single submitter. Criteria: GeneDx Variant Classification Process June 2021. Collection method: clinical testing. Allele origin: germline. Affected: yes.

Ambry Genetics
Classification: Likely benign for Inborn genetic diseases. Last evaluated: 2019-08-18. Review status: criteria provided, single submitter. Criteria: Ambry Variant Classification Scheme 2023. Collection method: clinical testing. Allele origin: germline.

NM_005629.4(SLC6A8):c.1452C>G (p.Leu484=)

Gene: SLC6A8 (solute carrier family 6 member 8; plus strand). Cytogenetic location: Xq28.
Variant type: single nucleotide variant.
Coding change: c.1452C>G on transcript NM_005629.4 (MANE Select); coding-DNA position 1452, C replaced by G.
Protein change: p.Leu484=; no amino-acid change (leucine 484 retained).
Molecular consequence: synonymous variant.
Genome position (GRCh38, 1-based): chrX:153,694,403, C>G. VCF-style: chrX-153694403-C-G. GRCh37 (hg19) VCF-style: chrX-152959858-C-G.
Other names: c.1422C>G, p.Leu474= (NM_001142805.2); c.1107C>G, p.Leu369= (NM_001142806.1).
Identifiers: ClinVar variation 382728 (VCV000382728.55), dbSNP rs376421364, ClinGen allele CA10549524.